The following is an entry in ClinVar:

NM_153240.5(NPHP3):c.189G>A (p.Gly63=)

Genes: NPHP3 (nephrocystin 3; minus strand), NPHP3-ACAD11 (NPHP3-ACAD11 readthrough (NMD candidate); minus strand), NPHP3-AS1 (NPHP3 antisense RNA 1; plus strand), LOC129937586 (ATAC-STARR-seq lymphoblastoid silent region 14743; plus strand). Cytogenetic location: 3q22.1.
Variant type: single nucleotide variant.
Coding change: c.189G>A on transcript NM_153240.5 (MANE Select); coding-DNA position 189, G replaced by A.
Protein change: p.Gly63=; no amino-acid change (glycine 63 retained).
Molecular consequence: synonymous variant. On other transcripts: non-coding transcript variant (3).
Genome position (GRCh38, 1-based): chr3:132,722,167, C>T on the plus strand (G>A on the coding strand, the complement: NPHP3 is on the minus strand). VCF-style: chr3-132722167-C-T. GRCh37 (hg19) VCF-style: chr3-132441011-C-T.
Identifiers: ClinVar variation 514395 (VCV000514395.1), dbSNP rs750280281, ClinGen allele CA2622689.

ClinVar aggregate classification (germline): Likely benign (1 of 4 stars; one submission).

Allele frequency attached by ClinVar (database versions not stated): TOPMed 0.00001.
gnomAD v4.1: 18 of 1,571,820 alleles (0.0011%); highest among the groups gnomAD compares: East Asian, 0.0048%; no homozygotes.

Submission:

GeneDx
Classification: Likely benign. Last evaluated: 2018-01-18. Review status: criteria provided, single submitter. Criteria: GeneDx Variant Classification (06012015). Collection method: clinical testing. Allele origin: germline. Affected: yes.
Comment: This variant is considered likely benign or benign based on one or more of the following criteria: it is a conservative change, it occurs at a poorly conserved position in the protein, it is predicted to be benign by multiple in silico algorithms, and/or has population frequency not consistent with disease.